The following is an entry in ClinVar:

NM_001382.4(DPAGT1):c.352C>G (p.Leu118Val)

Gene: DPAGT1 (dolichyl-phosphate N-acetylglucosaminephosphotransferase 1; minus strand). Cytogenetic location: 11q23.3.
Variant type: single nucleotide variant.
Coding change: c.352C>G on transcript NM_001382.4 (MANE Select); coding-DNA position 352, C replaced by G.
Protein change: p.Leu118Val; replaces leucine 118 with valine.
Molecular consequence: missense variant.
Genome position (GRCh38, 1-based): chr11:119,100,774, G>C on the plus strand (C>G on the coding strand, the complement: DPAGT1 is on the minus strand). VCF-style: chr11-119100774-G-C. GRCh37 (hg19) VCF-style: chr11-118971484-G-C.
Other names: short protein forms L118V.
Identifiers: ClinVar variation 93730 (VCV000093730.7), dbSNP rs398123609, ClinGen allele CA221690.

ClinVar aggregate classification (germline): Uncertain significance. Review status: criteria provided, multiple submitters, no conflicts (2 of 4 stars). 2 submissions from 2 submitters: Uncertain significance (2). Last evaluated 2017-09-01.

Conditions:
DPAGT1-congenital disorder of glycosylation. Also called: CONGENITAL DISORDER OF GLYCOSYLATION, TYPE Ij; CDG Ij; DPAGT1-CDG. Identifiers: Orphanet 86309, MedGen C2931004, MONDO:0011964, OMIM 608093.

Submissions (2):

Baylor Genetics
Classification: Uncertain significance for DPAGT1-congenital disorder of glycosylation. Last evaluated: 2017-09-01. Review status: criteria provided, single submitter. Criteria: ACMG Guidelines, 2015. Collection method: clinical testing. Allele origin: germline. Inheritance: Autosomal recessive inheritance. Affected: yes.
Comment: Biochemical studies consistent with disorder of glycosylation

Eurofins Ntd Llc (ga)
Classification: Uncertain significance. Last evaluated: 2012-08-31. Review status: criteria provided, single submitter. Criteria: EGL Classification Definitions 2015. Collection method: clinical testing. Allele origin: germline. Observed: 3 variant alleles, 2 heterozygotes, 1 homozygote.

Literature cited by the submitters: PubMed 25326635 (cited by Baylor Genetics).